The following is an entry in ClinVar:

NM_002907.4(RECQL):c.529A>C (p.Met177Leu)

Gene: RECQL (RecQ like helicase; minus strand). Cytogenetic location: 12p12.1.
Variant type: single nucleotide variant.
Coding change: c.529A>C on transcript NM_002907.4 (MANE Select); coding-DNA position 529, A replaced by C.
Protein change: p.Met177Leu; replaces methionine 177 with leucine.
Molecular consequence: missense variant.
Genome position (GRCh38, 1-based): chr12:21,483,547, T>G on the plus strand (A>C on the coding strand, the complement: RECQL is on the minus strand). VCF-style: chr12-21483547-T-G. GRCh37 (hg19) VCF-style: chr12-21636481-T-G.
Other names: c.529A>C, p.Met177Leu (NM_032941.3); short protein forms M177L.
Identifiers: ClinVar variation 1746666 (VCV001746666.4), dbSNP rs1300788828, ClinGen allele CA384127907.
Genomic context (GRCh38, chr12:21,483,547, plus strand): 5'-TTTTTGCAATTTTCTCTGGAGTCACATAAATCAGCTTTAACTCGGAGTTTTTATTTACCA[T>G]TTCAGCATGAACCCATTTAACATGCTCCTATTAAAAGAAAAAAATAGACACAATGATAGT-3'
Protein context (NP_002898.2, residues 167-187): KEHVKWVHAE[Met177Leu]VNKNSELKLI

ClinVar aggregate classification (germline): Uncertain significance (1 of 4 stars; one submission).

Allele frequency attached by ClinVar (database versions not stated): gnomAD exomes below 0.00001.

Submission:

Ambry Genetics
Classification: Uncertain significance. Last evaluated: 2025-11-11. Review status: criteria provided, single submitter. Criteria: Ambry Variant Classification Scheme 2023. Collection method: clinical testing. Allele origin: germline.
Comment: The p.M177L variant (also known as c.529A>C), located in coding exon 5 of the RECQL gene, results from an A to C substitution at nucleotide position 529. The methionine at codon 177 is replaced by leucine, an amino acid with highly similar properties. This amino acid position is highly conserved in available vertebrate species. In addition, this alteration is predicted to be tolerated by in silico analysis. Since supporting evidence is limited at this time, the clinical significance of this alteration remains unclear.